The following is an entry in ClinVar:

ClinVar aggregate classification (germline): Uncertain significance (1 of 4 stars; one submission).

Allele frequency attached by ClinVar (database versions not stated): gnomAD exomes below 0.00001.
gnomAD v4.1: 3 of 1,609,136 alleles (0.00019%); highest among the groups gnomAD compares: Non-Finnish European, 0.00017%; no homozygotes.

Submission:

Labcorp Genetics (formerly Invitae), Labcorp
Classification: Uncertain significance. Last evaluated: 2024-04-08. Review status: criteria provided, single submitter. Criteria: Invitae Variant Classification Sherloc (09022015). Collection method: clinical testing. Allele origin: germline.
Comment: This sequence change replaces tryptophan, which is neutral and slightly polar, with arginine, which is basic and polar, at codon 1132 of the SLC12A2 protein (p.Trp1132Arg). This variant is not present in population databases (gnomAD no frequency). This variant has not been reported in the literature in individuals affected with SLC12A2-related conditions. Advanced modeling of protein sequence and biophysical properties (such as structural, functional, and spatial information, amino acid conservation, physicochemical variation, residue mobility, and thermodynamic stability) performed at Invitae indicates that this missense variant is expected to disrupt SLC12A2 protein function with a positive predictive value of 80%. In summary, the available evidence is currently insufficient to determine the role of this variant in disease. Therefore, it has been classified as a Variant of Uncertain Significance.

NM_001046.3(SLC12A2):c.3394T>C (p.Trp1132Arg)

Gene: SLC12A2 (solute carrier family 12 member 2; plus strand). Cytogenetic location: 5q23.3.
Variant type: single nucleotide variant.
Coding change: c.3394T>C on transcript NM_001046.3 (MANE Select); coding-DNA position 3394, T replaced by C.
Protein change: p.Trp1132Arg; replaces tryptophan 1132 with arginine.
Molecular consequence: missense variant. On other transcripts: non-coding transcript variant (1).
Genome position (GRCh38, 1-based): chr5:128,184,460, T>C. VCF-style: chr5-128184460-T-C. GRCh37 (hg19) VCF-style: chr5-127520152-T-C.
Other names: c.3346T>C, p.Trp1116Arg (NM_001256461.2); short protein forms W1132R, W1116R.
Identifiers: ClinVar variation 2783982 (VCV002783982.3), dbSNP rs2479497677, ClinGen allele CA360741499.
Genomic context (GRCh38, chr5:128,184,460, plus strand): 5'-AGACTTCATGAAGATGATAAAGAGCAAGATATTGCAGATAAAATGAAAGAAGATGAACCA[T>C]GGCGAATAACAGATAATGAGCTTGAACTTTATAAGACCAAGGTATTCTCTTCTGCTTCCT-3'
Protein context (NP_001037.1, residues 1122-1142): IADKMKEDEP[Trp1132Arg]RITDNELELY